The following is an entry in ClinVar:

ClinVar aggregate classification (germline): Uncertain significance (1 of 4 stars; one submission).

Conditions:
Hereditary cancer-predisposing syndrome. Also called: Neoplastic Syndromes, Hereditary; Tumor predisposition; Hereditary Cancer Syndrome; Hereditary neoplastic syndrome. Identifiers: Orphanet 140162, MedGen C0027672, MeSH D009386, MONDO:0015356.

Submission:

Ambry Genetics
Classification: Uncertain significance for Hereditary cancer-predisposing syndrome. Last evaluated: 2026-04-29. Review status: criteria provided, single submitter. Criteria: Ambry Variant Classification Scheme 2023. Collection method: clinical testing. Allele origin: germline.
Comment: The c.2220+3A>G intronic variant results from an A to G substitution 3 nucleotides after coding exon 19 in the TSC2 gene. This nucleotide position is highly conserved in available vertebrate species. In silico splice site analysis predicts that this alteration will weaken the native splice donor site. Based on the available evidence, the clinical significance of this variant remains unclear.

NM_000548.5(TSC2):c.2220+3A>G

Gene: TSC2 (TSC complex subunit 2; plus strand). Cytogenetic location: 16p13.3.
Variant type: single nucleotide variant.
Coding change: c.2220+3A>G on transcript NM_000548.5 (MANE Select); 3 bases into the intron after coding-DNA position 2220, A replaced by G.
Molecular consequence: intron variant.
Genome position (GRCh38, 1-based): chr16:2,072,366, A>G. VCF-style: chr16-2072366-A-G. GRCh37 (hg19) VCF-style: chr16-2122367-A-G.
Other names: c.876+3A>G (NM_001406693.1, NM_001406689.1, NM_001406690.1 and 6 more transcripts); c.2310+3A>G (NM_001406667.1, NM_001406668.1); c.1620+3A>G (NM_001406680.1, NM_001406683.1, NM_001406687.1 and 6 more transcripts); c.618+3A>G (NM_001406698.1); c.2220+3A>G (NM_001114382.3, NM_001406663.1, NM_001406664.1 and 6 more transcripts); c.2208+3A>G (NM_001406671.1, NM_001406673.1); c.1758+3A>G (NM_001406681.1); c.2109+3A>G (NM_001406670.1, NM_001318827.2, NM_001406678.1); and 3 more.
Identifiers: ClinVar variation 4866061 (VCV004866061.1).